The following is an entry in ClinVar:

ClinVar aggregate classification (germline): Likely benign (1 of 4 stars; one submission).

gnomAD v4.1: 1,902 of 1,613,462 alleles (0.12%); highest among the groups gnomAD compares: Non-Finnish European, 0.15%; 6 homozygotes.

Submission:

CeGaT Center for Human Genetics Tuebingen
Classification: Likely benign. Last evaluated: 2026-06-01. Review status: criteria provided, single submitter. Criteria: CeGaT Center For Human Genetics Tuebingen Variant Classification Criteria Version 2. Collection method: clinical testing. Allele origin: germline. Affected: yes. Observed: 2 variant alleles.
Comment: PIGH: BS2

NM_004569.5(PIGH):c.317C>T (p.Ser106Leu)

Genes: GPHN (gephyrin; plus strand), PIGH (phosphatidylinositol glycan anchor biosynthesis class H; minus strand). Cytogenetic location: 14q24.1.
Variant type: single nucleotide variant.
Coding change: c.317C>T on transcript NM_004569.5 (MANE Select); coding-DNA position 317, C replaced by T.
Protein change: p.Ser106Leu; replaces serine 106 with leucine.
Molecular consequence: missense variant.
Genome position (GRCh38, 1-based): chr14:67,593,816, G>A on the plus strand (C>T on the coding strand, the complement: PIGH is on the minus strand). VCF-style: chr14-67593816-G-A. GRCh37 (hg19) VCF-style: chr14-68060533-G-A.
Other names: c.317C>T, p.Ser106Leu (NM_001363694.2, NM_001440640.1, NM_001440644.1); short protein forms S106L.
Identifiers: ClinVar variation 4872227 (VCV004872227.2).